The following is an entry in ClinVar:

NM_000070.3(CAPN3):c.332T>G (p.Phe111Cys)

Gene: CAPN3 (calpain 3; plus strand). Cytogenetic location: 15q15.1.
Variant type: single nucleotide variant.
Coding change: c.332T>G on transcript NM_000070.3 (MANE Select); coding-DNA position 332, T replaced by G.
Protein change: p.Phe111Cys; replaces phenylalanine 111 with cysteine.
Molecular consequence: missense variant.
Genome position (GRCh38, 1-based): chr15:42,384,505, T>G. VCF-style: chr15-42384505-T-G. GRCh37 (hg19) VCF-style: chr15-42676703-T-G.
Other names: c.332T>G, p.Phe111Cys (NM_024344.2, NM_173087.2); short protein forms F111C.
Identifiers: ClinVar variation 3775893 (VCV003775893.1).

ClinVar aggregate classification (germline): Uncertain significance (1 of 4 stars; one submission).

Conditions:
Autosomal recessive limb-girdle muscular dystrophy type 2A (LGMDR1). Also called: MUSCULAR DYSTROPHY, PELVOFEMORAL; Muscular dystrophy, limb-girdle, type 2A, Amish; Limb-girdle muscular dystrophy, type 2A; Calpainopathy; LEYDEN-MOEBIUS MUSCULAR DYSTROPHY. Identifiers: Orphanet 267, MedGen C1869123, MONDO:0009675, OMIM 253600. Disease mechanism: loss of function.

Submission:

3billion
Classification: Uncertain significance for Autosomal recessive limb-girdle muscular dystrophy type 2A. Last evaluated: 2023-06-21. Review status: criteria provided, single submitter. Criteria: ACMG Guidelines, 2015. Collection method: clinical testing. Allele origin: germline. Affected: yes.
Comment: The variant is not observed in the gnomAD v2.1.1 dataset. Predicted Consequence/Location: Missense variant In silico tool predictions suggest damaging effect of the variant on gene or gene product (REVEL: 0.95; 3Cnet: 0.80). A different missense change at the same codon (p.Phe111Ser) has been reported to be associated with CAPN3 related disorder (PMID: 15689361). However the evidence of pathogenicity is insufficient at this time. Therefore, this variant is classified as VUS according to the recommendation of ACMG/AMP guideline.

Literature cited by the submitters: PubMed 15689361.